The following is an entry in ClinVar:

ClinVar aggregate classification (germline): Conflicting classifications of pathogenicity. Review status: criteria provided, conflicting classifications (1 of 4 stars). 9 submissions from 9 submitters: Uncertain significance (8); Likely benign (1). Last evaluated 2025-09-08.

Conditions:
Cardiovascular phenotype. Identifiers: MedGen CN230736.
Cardiomyopathy (CMYO). Also called: Cardiomyopathies. Identifiers: Orphanet 167848, MedGen C0878544, MONDO:0004994, HP:0001638. Inheritance: Various modes of inheritance.
Myopathy, myosin storage, autosomal recessive (CMYO7B). Also called: CONGENITAL MYOPATHY 7B, MYOSIN STORAGE, AUTOSOMAL RECESSIVE. Identifiers: Orphanet 636970, MedGen C1850709, MONDO:0009708, OMIM 255160.
Myosin storage myopathy (CMYO7A). Also called: MYOPATHY, HYALINE BODY, AUTOSOMAL DOMINANT; Scapuloperoneal myopathy, MYH7-related; MYOPATHY WITH LYSIS OF TYPE I MYOFIBRILS; SCAPULOPERONEAL MUSCULAR DYSTROPHY; SCAPULOPERONEAL SYNDROME, MYOPATHIC TYPE; MYH7-related late-onset scapuloperoneal muscular dystrophy. Identifiers: Orphanet 437572, Orphanet 636965, MedGen C1842160, MONDO:0008409, OMIM 608358.
MYH7-related skeletal myopathy. Also called: Myopathy, distal, 1; MYOPATHY, DISTAL, EARLY-ONSET, AUTOSOMAL DOMINANT; MYOPATHY, LATE DISTAL HEREDITARY; Laing distal myopathy; Laing early-onset distal myopathy. Identifiers: Orphanet 59135, MedGen C4552004, MONDO:0008050, OMIM 160500.
Hypertrophic cardiomyopathy 1 (CMH1). Also called: Familial hypertrophic cardiomyopathy 1; MYH7-Related Familial Hypertrophic Cardiomyopathy. Identifiers: MedGen C3495498, MONDO:0008647, OMIM 192600.
Dilated cardiomyopathy 1S (CMD1S). Identifiers: Orphanet 154, Orphanet 54260, MedGen C1834481, MONDO:0013262, OMIM 613426.
Hypertrophic cardiomyopathy. Also called: HYPERTROPHIC MYOCARDIOPATHY. Identifiers: Orphanet 217569, MedGen C0007194, MeSH D002312, MONDO:0005045, HP:0001639.

Allele frequency attached by ClinVar (database versions not stated): ExAC 0.00001; gnomAD 0.00001; gnomAD exomes 0.00003 and 0.00005; ESP Exome Variant Server 0.00015.

Submissions (9):

Labcorp Genetics (formerly Invitae), Labcorp
Classification: Uncertain significance for Hypertrophic cardiomyopathy. Last evaluated: 2025-09-08. Review status: criteria provided, single submitter. Criteria: Invitae Variant Classification Sherloc (09022015). Collection method: clinical testing. Allele origin: germline.
Comment: This sequence change replaces methionine, which is neutral and non-polar, with threonine, which is neutral and polar, at codon 1840 of the MYH7 protein (p.Met1840Thr). This variant is present in population databases (rs149193520, gnomAD 0.007%). This missense change has been observed in individual(s) with hypertrophic cardiomyopathy (internal data). ClinVar contains an entry for this variant (Variation ID: 234383). An algorithm developed specifically for the MYH7 gene suggests that this missense change is likely to be deleterious (PMID: 21310275). In summary, the available evidence is currently insufficient to determine the role of this variant in disease. Therefore, it has been classified as a Variant of Uncertain Significance.

All of Us Research Program, National Institutes of Health
Classification: Uncertain significance for Cardiomyopathy. Last evaluated: 2024-08-13. Review status: criteria provided, single submitter. Criteria: ACMG Guidelines, 2015. Collection method: clinical testing. Allele origin: germline. Inheritance: Autosomal dominant inheritance. Observed: 4 variant alleles, 4 heterozygotes.
Comment: This missense variant replaces methionine with threonine at codon 1840 of the MYH7 protein. Computational prediction suggests that this variant may not impact protein structure and function (internally defined REVEL score threshold <= 0.5, PMID: 27666373). To our knowledge, functional studies have not been reported for this variant. This variant has been reported in two individuals in one family affected with non-syndromic congenital heart defects (PMID: 25931334); these individuals also carried a pathogenic variant in the TBX5 gene. This variant has been identified in 9/281334 chromosomes in the general population by the Genome Aggregation Database (gnomAD). The available evidence is insufficient to determine the role of this variant in disease conclusively. Therefore, this variant is classified as a Variant of Uncertain Significance.

This study involves interpretation of variants in research participants for the purpose of population health screening. Participant phenotype was not available at the time of variant classification. Additional details can be found in publication PMID: 35346344, PMCID: PMC8962531

Color Diagnostics, LLC DBA Color Health
Classification: Uncertain significance for Cardiomyopathy. Last evaluated: 2024-07-25. Review status: criteria provided, single submitter. Criteria: ACMG Guidelines, 2015. Collection method: clinical testing. Allele origin: germline.
Comment: This missense variant replaces methionine with threonine at codon 1840 of the MYH7 protein. Computational prediction tools indicate that this variant has a neutral impact on protein structure and function. To our knowledge, functional studies have not been reported for this variant. This variant has been reported in two individuals in one family affected with non-syndromic congenital heart defects (PMID: 25931334); these individuals also carried a pathogenic missense variant in the TBX5 gene. This variant has been identified in 9/281334 chromosomes in the general population by the Genome Aggregation Database (gnomAD). The available evidence is insufficient to determine the role of this variant in disease conclusively. Therefore, this variant is classified as a Variant of Uncertain Significance.

Fulgent Genetics
Classification: Uncertain significance for MYH7-related skeletal myopathy; Hypertrophic cardiomyopathy 1; Myopathy, myosin storage, autosomal recessive; Myosin storage myopathy; Dilated cardiomyopathy 1S. Last evaluated: 2024-03-06. Review status: criteria provided, single submitter. Criteria: ACMG Guidelines, 2015. Collection method: clinical testing. Allele origin: germline.

Ambry Genetics
Classification: Uncertain significance for Cardiovascular phenotype. Last evaluated: 2023-09-14. Review status: criteria provided, single submitter. Criteria: Ambry Variant Classification Scheme 2023. Collection method: clinical testing. Allele origin: germline.
Comment: The p.M1840T variant (also known as c.5519T>C), located in coding exon 35 of the MYH7 gene, results from a T to C substitution at nucleotide position 5519. The methionine at codon 1840 is replaced by threonine, an amino acid with similar properties. This variant co-occurred with a variant in the TBX5 gene in affected individuals from a family with congenital heart defects (Jia Y et al. Am. J. Med. Genet. A, 2015 Aug;167A:1822-9). This variant has also been detected in an exome cohort; however, clinical details were limited (Sapp JC et al. Am. J. Hum. Genet., 2018 09;103:358-366). This amino acid position is not well conserved in available vertebrate species. In addition, this alteration is predicted to be tolerated by in silico analysis. Since supporting evidence is limited at this time, the clinical significance of this alteration remains unclear.

Clinical Genomics Laboratory, Stanford Medicine
Classification: Uncertain significance for Dilated cardiomyopathy 1S; Hypertrophic cardiomyopathy 1; Myosin storage myopathy; Myopathy, myosin storage, autosomal recessive; MYH7-related skeletal myopathy. Last evaluated: 2023-01-31. Review status: criteria provided, single submitter. Criteria: ACMG Guidelines, 2015. Collection method: clinical testing. Allele origin: germline. Observed: 1 variant allele, 1 heterozygote.
Comment: The p.Met1840Thr variant in the MYH7 gene has been previously reported in an exome sequencing cohort with limited phenotypic details (Sapp et al., 2018). This variant also co-occurred with a pathogenic TBX5 variant (p.Arg237Trp) in two individuals affected with congenital heart disease from one family (Jia et al., 2015). This variant has been identified in 9/129,104 European non-Finnish chromosomes (9/281,334 chromosomes overall) by the Genome Aggregation Database. This variant is present in ClinVar (VCV000234383.21). The methionine at position 1840 is moderately evolutionarily conserved. Computational tools predict that the p.Met1840Thr variant is neither deleterious nor benign; however, the accuracy of in silico algorithms is limited. These data were assessed using the ACMG/AMP variant interpretation guidelines. In summary, the significance of the p.Met1840Thr variant is uncertain. Additional information is needed to resolve the significance of this variant. [ACMG evidence codes used: PM2]

GeneDx
Classification: Uncertain significance. Last evaluated: 2020-09-15. Review status: criteria provided, single submitter. Criteria: GeneDx Variant Classification Process June 2021. Collection method: clinical testing. Allele origin: germline. Affected: yes.
Comment: Has not been previously published in association with MYH7-related disorders to our knowledge; Reported in ClinVar (ClinVar Variant ID# 234383; Landrum et al., 2016); In silico analysis supports that this missense variant does not alter protein structure/function; This variant is associated with the following publications: (PMID: 23403236)

Women's Health and Genetics/Laboratory Corporation of America, LabCorp
Classification: Uncertain significance. Last evaluated: 2018-09-10. Review status: criteria provided, single submitter. Criteria: LabCorp Variant Classification Summary - May 2015. Collection method: clinical testing. Allele origin: germline.
Comment: Variant summary: MYH7 c.5519T>C (p.Met1840Thr) results in a non-conservative amino acid change located in the Myosin tail (IPR002928) of the encoded protein sequence. Three of five in-silico tools predict a benign effect of the variant on protein function. The variant allele was found at a frequency of 3.3e-05 in 275678 control chromosomes (gnomAD). The available data on variant occurrences in the general population are insufficient to allow any conclusion about variant significance. The variant, c.5519T>C, has been reported in the literature in two individuals in one family affected with congenital heart defects, co-occurring with the pathogenic variant TBX5 c.709C>T (p.Arg237Trp) (Jia_2015). This report provides supporting evidence for a benign role. To our knowledge, no experimental evidence demonstrating an impact on protein function has been reported. Two clinical diagnostic laboratories have submitted clinical-significance assessments for this variant to ClinVar after 2014 without evidence for independent evaluation and classified the variant as uncertain significance. Based on the evidence outlined above, the variant was classified as uncertain significance.

PreventionGenetics, part of Exact Sciences
Classification: Likely benign. Review status: criteria provided, single submitter. Criteria: ACMG Guidelines, 2015. Collection method: clinical testing. Allele origin: germline.

Literature cited by the submitters: PubMed 21310275 (cited by Labcorp Genetics (formerly Invitae), Labcorp); PubMed 25931334 (cited by 4 submitters); PubMed 23403236 (cited by Ambry Genetics and Women's Health and Genetics/Laboratory Corporation of America, LabCorp); PubMed 30122538 (cited by Ambry Genetics and Clinical Genomics Laboratory, Stanford Medicine).

NM_000257.4(MYH7):c.5519T>C (p.Met1840Thr)

Gene: MYH7 (myosin heavy chain 7; minus strand). Cytogenetic location: 14q11.2.
Variant type: single nucleotide variant.
Coding change: c.5519T>C on transcript NM_000257.4 (MANE Select); coding-DNA position 5519, T replaced by C.
Protein change: p.Met1840Thr; replaces methionine 1840 with threonine.
Molecular consequence: missense variant.
Genome position (GRCh38, 1-based): chr14:23,415,035, A>G on the plus strand (T>C on the coding strand, the complement: MYH7 is on the minus strand). VCF-style: chr14-23415035-A-G. GRCh37 (hg19) VCF-style: chr14-23884244-A-G.
Other names: c.5519T>C (LRG_384t1); short protein forms M1840T.
Identifiers: ClinVar variation 234383 (VCV000234383.24), dbSNP rs149193520, ClinGen allele CA047097.